The following is an entry in ClinVar:

ClinVar aggregate classification (germline): Uncertain significance (1 of 4 stars; one submission).

Conditions:
Hypertrophic cardiomyopathy. Also called: HYPERTROPHIC MYOCARDIOPATHY. Identifiers: Orphanet 217569, MedGen C0007194, MeSH D002312, MONDO:0005045, HP:0001639.

Submission:

Labcorp Genetics (formerly Invitae), Labcorp
Classification: Uncertain significance for Hypertrophic cardiomyopathy. Last evaluated: 2022-06-20. Review status: criteria provided, single submitter. Criteria: Invitae Variant Classification Sherloc (09022015). Collection method: clinical testing. Allele origin: germline.
Comment: Algorithms developed to predict the effect of missense changes on protein structure and function are either unavailable or do not agree on the potential impact of this missense change (SIFT: "Deleterious"; PolyPhen-2: "Probably Damaging"; Align-GVGD: "Class C0"). In summary, the available evidence is currently insufficient to determine the role of this variant in disease. Therefore, it has been classified as a Variant of Uncertain Significance. ClinVar contains an entry for this variant (Variation ID: 960870). This variant has not been reported in the literature in individuals affected with MYH7-related conditions. This variant is not present in population databases (gnomAD no frequency). This sequence change replaces asparagine, which is neutral and polar, with lysine, which is basic and polar, at codon 1408 of the MYH7 protein (p.Asn1408Lys).

NM_000257.4(MYH7):c.4224T>G (p.Asn1408Lys)

Gene: MYH7 (myosin heavy chain 7; minus strand). Cytogenetic location: 14q11.2.
Variant type: single nucleotide variant.
Coding change: c.4224T>G on transcript NM_000257.4 (MANE Select); coding-DNA position 4224, T replaced by G.
Protein change: p.Asn1408Lys; replaces asparagine 1408 with lysine.
Molecular consequence: missense variant.
Genome position (GRCh38, 1-based): chr14:23,417,632, A>C on the plus strand (T>G on the coding strand, the complement: MYH7 is on the minus strand). VCF-style: chr14-23417632-A-C. GRCh37 (hg19) VCF-style: chr14-23886841-A-C.
Other names: short protein forms N1408K.
Identifiers: ClinVar variation 960870 (VCV000960870.9), dbSNP rs747540624, ClinGen allele CA389040443.